The following is an entry in ClinVar:

NM_006180.6(NTRK2):c.1196-7A>C

Gene: NTRK2 (neurotrophic receptor tyrosine kinase 2; plus strand). Cytogenetic location: 9q21.33.
Variant type: single nucleotide variant.
Coding change: c.1196-7A>C on transcript NM_006180.6 (MANE Select); 7 bases into the intron before coding-DNA position 1196, A replaced by C.
Molecular consequence: intron variant.
Genome position (GRCh38, 1-based): chr9:84,744,966, A>C. VCF-style: chr9-84744966-A-C. GRCh37 (hg19) VCF-style: chr9-87359881-A-C.
Other names: c.1196-7A>C (NM_006180.4, NM_001369532.1, NM_001369533.1 and 16 more transcripts); c.1157-7A>C (NM_001291937.2, NM_001369546.1); c.1160-7A>C (NM_001369534.1); c.728-7A>C (NM_001369536.1, NM_001369535.1, NM_001369550.1 and 2 more transcripts).
Identifiers: ClinVar variation 1671688 (VCV001671688.9), dbSNP rs779324570, ClinGen allele CA2573144697.

ClinVar aggregate classification (germline): Likely benign. Review status: criteria provided, single submitter (1 of 4 stars). 2 submissions from 2 submitters: Likely benign (1). 1 of the submissions does not count toward it. Last evaluated 2024-05-15.

Conditions:
NTRK2-related disorder. Also called: NTRK2-related condition.

Submissions (2):

Labcorp Genetics (formerly Invitae), Labcorp
Classification: Likely benign. Last evaluated: 2024-05-15. Review status: criteria provided, single submitter. Criteria: Invitae Variant Classification Sherloc (09022015). Collection method: clinical testing. Allele origin: germline.

PreventionGenetics, part of Exact Sciences
Classification: Likely benign for NTRK2-related condition. Last evaluated: 2022-03-02. Review status: no assertion criteria provided. Collection method: clinical testing. Allele origin: germline. Not counted in ClinVar's aggregate classification.
Comment: This variant is classified as likely benign based on ACMG/AMP sequence variant interpretation guidelines (Richards et al. 2015 PMID: 25741868, with internal and published modifications).